The following is an entry in ClinVar:

ClinVar aggregate classification (germline): Uncertain significance. Review status: criteria provided, multiple submitters, no conflicts (2 of 4 stars). 2 submissions from 2 submitters: Uncertain significance (2). Last evaluated 2022-10-19.

Conditions:
Dyskeratosis congenita. Identifiers: Orphanet 1775, MedGen C0265965, MONDO:0015780.
Idiopathic Pulmonary Fibrosis. Also called: Idiopathic fibrosing alveolitis, chronic form; idiopathic fibrosing alveolitis. Identifiers: Orphanet 2032, MedGen C1800706, MeSH D054990, MONDO:0800504.
Dyskeratosis congenita, autosomal dominant 2. Identifiers: MedGen C3151443, MONDO:0013521, OMIM 613989.

Allele frequency attached by ClinVar (database versions not stated): gnomAD exomes below 0.00001.
gnomAD v4.1: 2 of 1,612,208 alleles (0.00012%); highest among the groups gnomAD compares: African/African-American, 0.0013%; no homozygotes.

Submissions (2):

Labcorp Genetics (formerly Invitae), Labcorp
Classification: Uncertain significance for Dyskeratosis congenita, autosomal dominant 2; Idiopathic Pulmonary Fibrosis. Last evaluated: 2022-10-19. Review status: criteria provided, single submitter. Criteria: Invitae Variant Classification Sherloc (09022015). Collection method: clinical testing. Allele origin: germline.
Comment: In summary, the available evidence is currently insufficient to determine the role of this variant in disease. Therefore, it has been classified as a Variant of Uncertain Significance. Algorithms developed to predict the effect of missense changes on protein structure and function output the following: SIFT: "Tolerated"; PolyPhen-2: "Benign"; Align-GVGD: "Class C0". The threonine amino acid residue is found in multiple mammalian species, which suggests that this missense change does not adversely affect protein function. This variant has not been reported in the literature in individuals affected with TERT-related conditions. This variant is not present in population databases (gnomAD no frequency). This sequence change replaces alanine, which is neutral and non-polar, with threonine, which is neutral and polar, at codon 1058 of the TERT protein (p.Ala1058Thr).

Ambry Genetics
Classification: Uncertain significance for Dyskeratosis congenita. Last evaluated: 2022-01-31. Review status: criteria provided, single submitter. Criteria: Ambry Variant Classification Scheme 2023. Collection method: clinical testing. Allele origin: germline.
Comment: The p.A1058T variant (also known as c.3172G>A), located in coding exon 15 of the TERT gene, results from a G to A substitution at nucleotide position 3172. The alanine at codon 1058 is replaced by threonine, an amino acid with similar properties. This amino acid position is conserved. In addition, this alteration is predicted to be tolerated by in silico analysis. Since supporting evidence is limited at this time, the clinical significance of this alteration remains unclear.

NM_198253.3(TERT):c.3172G>A (p.Ala1058Thr)

Gene: TERT (telomerase reverse transcriptase; minus strand). Cytogenetic location: 5p15.33.
Variant type: single nucleotide variant.
Coding change: c.3172G>A on transcript NM_198253.3 (MANE Select); coding-DNA position 3172, G replaced by A.
Protein change: p.Ala1058Thr; replaces alanine 1058 with threonine.
Molecular consequence: missense variant. On other transcripts: non-coding transcript variant (2).
Genome position (GRCh38, 1-based): chr5:1,254,491, C>T on the plus strand (G>A on the coding strand, the complement: TERT is on the minus strand). VCF-style: chr5-1254491-C-T. GRCh37 (hg19) VCF-style: chr5-1254606-C-T.
Other names: c.2983G>A, p.Ala995Thr (NM_001193376.3); c.3172G>A, p.Ala1058Thr (NM_003219.1); short protein forms A1058T, A995T.
Identifiers: ClinVar variation 1728451 (VCV001728451.7), dbSNP rs1478959357, ClinGen allele CA359067548.
Genomic context (GRCh38, chr5:1,254,491, plus strand): 5'-ATGCTTGGTGGCACAGCCACTGCACGGCCTCGGAGGGCAGAGGGCCGGCGGCGCCCTTGG[C>T]CCCCAGCGACATCCCTGGGGGAAAACAGAGGCTGAGGAGTCACAGGCCCAGCCCAGCTCC-3'
Protein context (NP_937983.2, residues 1048-1068): KAKNAGMSLG[Ala1058Thr]KGAAGPLPSE